The following is an entry in ClinVar:

ClinVar aggregate classification (germline): Likely benign. Review status: criteria provided, multiple submitters, no conflicts (2 of 4 stars). 2 submissions from 2 submitters: Likely benign (2). Last evaluated 2025-09-02.

Conditions:
Lethal congenital glycogen storage disease of heart. Also called: PHOSPHORYLASE KINASE DEFICIENCY OF HEART; GLYCOGEN STORAGE DISEASE OF HEART. Identifiers: Orphanet 439854, MedGen C1849813, MONDO:0009867, OMIM 261740.
Hypertrophic cardiomyopathy. Also called: HYPERTROPHIC MYOCARDIOPATHY. Identifiers: Orphanet 217569, MedGen C0007194, MeSH D002312, MONDO:0005045, HP:0001639.

gnomAD v4.1: 2 of 1,614,054 alleles (0.00012%); highest among the groups gnomAD compares: Non-Finnish European, 0.00017%; no homozygotes.

Submissions (2):

Labcorp Genetics (formerly Invitae), Labcorp
Classification: Likely benign for Lethal congenital glycogen storage disease of heart. Last evaluated: 2025-09-02. Review status: criteria provided, single submitter. Criteria: Invitae Variant Classification Sherloc (09022015). Collection method: clinical testing. Allele origin: germline.

All of Us Research Program, National Institutes of Health
Classification: Likely benign for Hypertrophic cardiomyopathy. Last evaluated: 2023-10-02. Review status: criteria provided, single submitter. Criteria: ACMG Guidelines, 2015. Collection method: clinical testing. Allele origin: germline. Inheritance: Autosomal dominant inheritance. Observed: 1 variant allele, 1 heterozygote.
Comment: This study involves interpretation of variants in research participants for the purpose of population health screening. Participant phenotype was not available at the time of variant classification. Additional details can be found in publication PMID: 35346344, PMCID: PMC8962531

NM_016203.4(PRKAG2):c.585T>C (p.Ser195=)

Gene: PRKAG2 (protein kinase AMP-activated non-catalytic subunit gamma 2; minus strand). Cytogenetic location: 7q36.1.
Variant type: single nucleotide variant.
Coding change: c.585T>C on transcript NM_016203.4 (MANE Select); coding-DNA position 585, T replaced by C.
Protein change: p.Ser195=; no amino-acid change (serine 195 retained).
Molecular consequence: synonymous variant. On other transcripts: intron variant (5).
Genome position (GRCh38, 1-based): chr7:151,675,519, A>G on the plus strand (T>C on the coding strand, the complement: PRKAG2 is on the minus strand). VCF-style: chr7-151675519-A-G. GRCh37 (hg19) VCF-style: chr7-151372605-A-G.
Other names: c.453T>C, p.Ser151= (NM_001040633.2, NM_001407024.1, NM_001407026.1 and 1 more transcripts); c.213T>C, p.Ser71= (NM_001304527.2, NM_001363698.2, NM_001407028.1 and 1 more transcripts); c.585T>C, p.Ser195= (NM_001407021.1, NM_001407022.1, NM_001407023.1); c.267T>C, p.Ser89= (NM_001407032.1); c.467-80068T>C (NM_001407031.1); c.467-80065T>C (NM_001407030.1); c.361-43381T>C (NM_001407033.1); c.94+60381T>C (NM_001407037.1); and 1 more.
Identifiers: ClinVar variation 2151602 (VCV002151602.5), dbSNP rs781522393, ClinGen allele CA458798335.
Genomic context (GRCh38, chr7:151,675,519, plus strand): 5'-AGGCCTGGTCGGGCTCTGGAAGGAAGACGGGCAGAACCTCTGCCCTGTGTCCGGGGGGGA[A>G]GACGAGGCATAGATGCGATTCTCTAACCGTTCAGGCTCGTGCTTATAGGATTCCAGGGGA-3'
Protein context (NP_057287.2, residues 185-205): ERLENRIYAS[Ser195=]SPPDTGQRFC